The following is an entry in ClinVar:

ClinVar aggregate classification (germline): Uncertain significance (1 of 4 stars; one submission).

Submission:

Labcorp Genetics (formerly Invitae), Labcorp
Classification: Uncertain significance. Last evaluated: 2025-10-29. Review status: criteria provided, single submitter. Criteria: Invitae Variant Classification Sherloc (09022015). Collection method: clinical testing. Allele origin: germline.
Comment: This sequence change replaces glutamine, which is neutral and polar, with histidine, which is basic and polar, at codon 275 of the SLC10A2 protein (p.Gln275His). This variant is not present in population databases (gnomAD no frequency). This variant has not been reported in the literature in individuals affected with SLC10A2-related conditions. ClinVar contains an entry for this variant (Variation ID: 2717884). Invitae Evidence Modeling of protein sequence and biophysical properties (such as structural, functional, and spatial information, amino acid conservation, physicochemical variation, residue mobility, and thermodynamic stability) has been performed for this missense variant. However, the output from this modeling did not meet the statistical confidence thresholds required to predict the impact of this variant on SLC10A2 protein function. In summary, the available evidence is currently insufficient to determine the role of this variant in disease. Therefore, it has been classified as a Variant of Uncertain Significance.

NM_000452.3(SLC10A2):c.825G>T (p.Gln275His)

Gene: SLC10A2 (solute carrier family 10 member 2; minus strand). Cytogenetic location: 13q33.1.
Variant type: single nucleotide variant.
Coding change: c.825G>T on transcript NM_000452.3 (MANE Select); coding-DNA position 825, G replaced by T.
Protein change: p.Gln275His; replaces glutamine 275 with histidine.
Molecular consequence: missense variant.
Genome position (GRCh38, 1-based): chr13:103,049,383, C>A on the plus strand (G>T on the coding strand, the complement: SLC10A2 is on the minus strand). VCF-style: chr13-103049383-C-A. GRCh37 (hg19) VCF-style: chr13-103701733-C-A.
Other names: short protein forms Q275H.
Identifiers: ClinVar variation 2717884 (VCV002717884.3), dbSNP rs2501810459, ClinGen allele CA388605862.